The following is an entry in ClinVar:

NC_000016.10:g.16628G>A

Variant type: single nucleotide variant.
Genome position: GRCh38 VCF-style: chr16-16628-G-A. GRCh37 (hg19) VCF-style: chr16-66628-G-A.
Identifiers: ClinVar variation 3771411 (VCV003771411.13).

ClinVar aggregate classification (germline): Likely benign (1 of 4 stars; one submission).

Submission:

CeGaT Center for Human Genetics Tuebingen
Classification: Likely benign. Last evaluated: 2025-01-01. Review status: criteria provided, single submitter. Criteria: CeGaT Center For Human Genetics Tuebingen Variant Classification Criteria Version 2. Collection method: clinical testing. Allele origin: germline. Affected: yes. Observed: 1 variant allele.
Comment: WASH4P: BP4, BP7